The following is an entry in ClinVar:

NM_021927.3(GUF1):c.229G>C (p.Val77Leu)

Gene: GUF1 (GTP binding elongation factor GUF1; plus strand). Cytogenetic location: 4p12.
Variant type: single nucleotide variant.
Coding change: c.229G>C on transcript NM_021927.3 (MANE Select); coding-DNA position 229, G replaced by C.
Protein change: p.Val77Leu; replaces valine 77 with leucine.
Molecular consequence: missense variant. On other transcripts: 5 prime UTR variant (1), intron variant (1).
Genome position (GRCh38, 1-based): chr4:44,680,504, G>C. VCF-style: chr4-44680504-G-C. GRCh37 (hg19) VCF-style: chr4-44682521-G-C.
Other names: c.-740G>C (NM_001345867.2); c.229G>C, p.Val77Leu (NM_001345868.2); c.-695-190G>C (NM_001345869.2); short protein forms V77L.
Identifiers: ClinVar variation 1938613 (VCV001938613.5), dbSNP rs372505762, ClinGen allele CA96514958.

ClinVar aggregate classification (germline): Uncertain significance (1 of 4 stars; one submission).

gnomAD v4.1: 8 of 1,609,844 alleles (0.0005%); highest among the groups gnomAD compares: Non-Finnish European, 0.00068%; no homozygotes.

Submission:

Labcorp Genetics (formerly Invitae), Labcorp
Classification: Uncertain significance. Last evaluated: 2024-01-12. Review status: criteria provided, single submitter. Criteria: Invitae Variant Classification Sherloc (09022015). Collection method: clinical testing. Allele origin: germline.
Comment: This sequence change replaces valine, which is neutral and non-polar, with leucine, which is neutral and non-polar, at codon 77 of the GUF1 protein (p.Val77Leu). This variant is present in population databases (no rsID available, gnomAD 0.0009%). This variant has not been reported in the literature in individuals affected with GUF1-related conditions. ClinVar contains an entry for this variant (Variation ID: 1938613). Advanced modeling of protein sequence and biophysical properties (such as structural, functional, and spatial information, amino acid conservation, physicochemical variation, residue mobility, and thermodynamic stability) has been performed at Invitae for this missense variant, however the output from this modeling did not meet the statistical confidence thresholds required to predict the impact of this variant on GUF1 protein function. In summary, the available evidence is currently insufficient to determine the role of this variant in disease. Therefore, it has been classified as a Variant of Uncertain Significance.